The following is an entry in ClinVar:

NM_031433.4(MFRP):c.1296del (p.Cys433fs)

Genes: C1QTNF5 (C1q and TNF related 5; minus strand), MFRP (membrane frizzled-related protein; minus strand). Cytogenetic location: 11q23.3.
Variant type: Deletion.
Coding change: c.1296del on transcript NM_031433.4 (MANE Select); coding-DNA position 1296, one base deleted (G; older notation c.1296delG).
Protein change: p.Cys433fs; shifts the reading frame from cysteine 433.
Molecular consequence: frameshift variant. On other transcripts: 5 prime UTR variant (1).
Genome position (GRCh38, 1-based): chr11:119,342,687, C deleted on the plus strand (G on the coding strand, the reverse complement: MFRP is on the minus strand); the first of 3 consecutive C bases (chr11:119,342,687-119,342,689); deleting any one gives the same sequence. VCF-style (leftmost placement, unchanged base first): chr11-119342686-AC-A. GRCh37 (hg19) VCF-style: chr11-119213396-AC-A.
Other names: c.-1341del (NM_015645.5); short protein forms C433fs.
Identifiers: ClinVar variation 3717132 (VCV003717132.2).
Genomic context (GRCh38, chr11:119,342,686, plus strand): 5'-TGTCATCGCTGCCATCGGTGCAGTCTCTCCACATGTCACACATCCACTGCACACCCTTAC[AC>A]CCTCCTGCCTGGCAGGAGAGCTCACTGGGCCCACAGGGGTCTGCAGGCACAAGGGGCATG-3'

ClinVar aggregate classification (germline): Pathogenic (1 of 4 stars; one submission).

Conditions:
Isolated microphthalmia 5. Also called: Posterior Microphthalmia with Retinitis Pigmentosa, Foveoschisis, and Optic Disc Drusen. Identifiers: Orphanet 251279, MedGen C1970236, MONDO:0012605, OMIM 611040.

Submission:

Labcorp Genetics (formerly Invitae), Labcorp
Classification: Pathogenic for Isolated microphthalmia 5. Last evaluated: 2024-09-14. Review status: criteria provided, single submitter. Criteria: Invitae Variant Classification Sherloc (09022015). Collection method: clinical testing. Allele origin: germline.
Comment: This sequence change creates a premature translational stop signal (p.Cys433Valfs*45) in the MFRP gene. It is expected to result in an absent or disrupted protein product. Loss-of-function variants in MFRP are known to be pathogenic (PMID: 12140190, 15976030, 20361016). This variant is present in population databases (no rsID available, gnomAD 0.007%). This variant has not been reported in the literature in individuals affected with MFRP-related conditions. For these reasons, this variant has been classified as Pathogenic.

Literature cited by the submitters: PubMed 12140190; PubMed 15976030; PubMed 20361016.